The following is an entry in ClinVar:

ClinVar aggregate classification (germline): Conflicting classifications of pathogenicity. Review status: criteria provided, conflicting classifications (1 of 4 stars). 7 submissions from 6 submitters: Uncertain significance (5); Likely benign (1). 1 of the submissions does not count toward it. Last evaluated 2026-01-29.

Conditions:
Cholestasis, intrahepatic, of pregnancy, 3. Identifiers: Orphanet 69665, MedGen C3554241, MONDO:0013995, OMIM 614972.
Progressive familial intrahepatic cholestasis type 3. Also called: MDR3 DEFICIENCY; Low Gamma-GT Familial Intrahepatic Cholestasis. Identifiers: Orphanet 79305, MedGen C1865643, MONDO:0011214, OMIM 602347.
ABCB4-related disorder. Also called: ABCB4-related disorders; ABCB4-related condition.

Allele frequency attached by ClinVar (database versions not stated): gnomAD exomes 0.00027 and 0.00013; gnomAD 0.00010 and 0.00011; ExAC 0.00018; TOPMed 0.00025.
gnomAD v4.1: 95 of 1,613,858 alleles (0.0059%); highest among the groups gnomAD compares: Admixed American, 0.15%; no homozygotes.

Submissions (7):

Labcorp Genetics (formerly Invitae), Labcorp
Classification: Likely benign. Last evaluated: 2026-01-29. Review status: criteria provided, single submitter. Criteria: Invitae Variant Classification Sherloc (09022015). Collection method: clinical testing. Allele origin: germline.

Clinical Genomics Laboratory, Washington University in St. Louis
Classification: Uncertain significance for Progressive familial intrahepatic cholestasis type 3. Last evaluated: 2025-06-16. Review status: criteria provided, single submitter. Criteria: ACMG Guidelines, 2015. Collection method: clinical testing. Allele origin: germline.
Comment: The ABCB4 c.2047G>A (p.Val683Met) variant, to our knowledge, has not been reported in the medical literature. This variant is only observed on 95/1,613,858 alleles in the general population (gnomAD v4.1.0), indicating it is not a common variant. Computational predictors suggest that the variant does not impact ABCB4 function. This variant has been reported in the ClinVar database as a germline variant of uncertain significance by three submitters and likely benign by two submitters. Due to limited information, and based on ACMG/AMP guidelines for variant interpretation (Richards S et al., PMID: 25741868), the clinical significance of this variant is uncertain at this time.

Revvity Omics, Revvity
Classification: Uncertain significance. Last evaluated: 2023-12-01. Review status: criteria provided, single submitter. Criteria: ACMG Guidelines, 2015. Collection method: clinical testing. Allele origin: germline.

Illumina Laboratory Services, Illumina
Classification: Uncertain significance for Cholestasis, intrahepatic, of pregnancy, 3. Last evaluated: 2018-01-13. Review status: criteria provided, single submitter. Criteria: ICSL Variant Classification Criteria 13 December 2019. Collection method: clinical testing. Allele origin: germline.

Illumina Laboratory Services, Illumina
Classification: Uncertain significance for Progressive familial intrahepatic cholestasis type 3. Last evaluated: 2018-01-13. Review status: criteria provided, single submitter. Criteria: ICSL Variant Classification Criteria 13 December 2019. Collection method: clinical testing. Allele origin: germline.

Eurofins Ntd Llc (ga)
Classification: Uncertain significance. Last evaluated: 2017-12-06. Review status: criteria provided, single submitter. Criteria: EGL Classification Definitions 2015. Collection method: clinical testing. Allele origin: germline. Observed: 3 variant alleles, 3 heterozygotes.

PreventionGenetics, part of Exact Sciences
Classification: Likely benign for ABCB4-related condition. Last evaluated: 2022-04-26. Review status: no assertion criteria provided. Collection method: clinical testing. Allele origin: germline. Not counted in ClinVar's aggregate classification.
Comment: This variant is classified as likely benign based on ACMG/AMP sequence variant interpretation guidelines (Richards et al. 2015 PMID: 25741868, with internal and published modifications).

NM_000443.4(ABCB4):c.2047G>A (p.Val683Met)

Gene: ABCB4 (ATP binding cassette subfamily B member 4; minus strand). Cytogenetic location: 7q21.12.
Variant type: single nucleotide variant.
Coding change: c.2047G>A on transcript NM_000443.4 (MANE Select); coding-DNA position 2047, G replaced by A.
Protein change: p.Val683Met; replaces valine 683 with methionine.
Molecular consequence: missense variant.
Genome position (GRCh38, 1-based): chr7:87,426,767, C>T on the plus strand (G>A on the coding strand, the complement: ABCB4 is on the minus strand). VCF-style: chr7-87426767-C-T. GRCh37 (hg19) VCF-style: chr7-87056083-C-T.
Other names: c.2047G>A, p.Val683Met (NM_018849.3, NM_018850.3); short protein forms V683M.
Identifiers: ClinVar variation 360796 (VCV000360796.17), dbSNP rs776616540, ClinGen allele CA4327141.
Genomic context (GRCh38, chr7:87,426,767, plus strand): 5'-AACTACAAAGTAAAAGACTTAATTTAAGTGAAAAACAACTTACAAGTCCATCGGTTTCCA[C>T]ATCAAGGCTCTTCTGACACATTTGTGAATTTTTAAGGTTTTTCTGAGTAGAATGCCTAAA-3'
Protein context (NP_000434.1, residues 673-693): NSQMCQKSLD[Val683Met]ETDGLEANVP